The following is an entry in ClinVar:

NM_000018.4(ACADVL):c.56G>T (p.Gly19Val)

Genes: ACADVL (acyl-CoA dehydrogenase very long chain; plus strand), DLG4 (discs large MAGUK scaffold protein 4; minus strand). Cytogenetic location: 17p13.1.
Variant type: single nucleotide variant.
Coding change: c.56G>T on transcript NM_000018.4 (MANE Select); coding-DNA position 56, G replaced by T.
Protein change: p.Gly19Val; replaces glycine 19 with valine.
Molecular consequence: missense variant. On other transcripts: 5 prime UTR variant (2), non-coding transcript variant (1), intron variant (1).
Genome position (GRCh38, 1-based): chr17:7,220,040, G>T. VCF-style: chr17-7220040-G-T. GRCh37 (hg19) VCF-style: chr17-7123359-G-T.
Other names: c.-1191C>A (NM_001321074.1); c.56G>T, p.Gly19Val (NM_001033859.3); c.-248G>T (NM_001270448.2); c.132-82G>T (NM_001270447.2); short protein forms G19V.
Identifiers: ClinVar variation 2053220 (VCV002053220.1), dbSNP rs144036152, ClinGen allele CA8337517.

ClinVar aggregate classification (germline): Uncertain significance (1 of 4 stars; one submission).

Conditions:
Very long chain acyl-CoA dehydrogenase deficiency (ACADVLD). Also called: VLCAD Deficiency; Very Long-Chain Acyl-Coenzyme A Dehydrogenase Deficiency. Identifiers: Orphanet 26793, MedGen C3887523, MONDO:0008723, OMIM 201475.

gnomAD v4.1: 3 of 1,604,082 alleles (0.00019%); highest among the groups gnomAD compares: East Asian, 0.0022%; no homozygotes.

Submission:

Labcorp Genetics (formerly Invitae), Labcorp
Classification: Uncertain significance for Very long chain acyl-CoA dehydrogenase deficiency. Last evaluated: 2021-08-27. Review status: criteria provided, single submitter. Criteria: Invitae Variant Classification Sherloc (09022015). Collection method: clinical testing. Allele origin: germline.
Comment: This sequence change replaces glycine with valine at codon 19 of the ACADVL protein (p.Gly19Val). The glycine residue is weakly conserved and there is a moderate physicochemical difference between glycine and valine. This variant is present in population databases (rs144036152, ExAC 0.02%). This variant has not been reported in the literature in individuals affected with ACADVL-related conditions. Algorithms developed to predict the effect of missense changes on protein structure and function output the following: SIFT: "Tolerated"; PolyPhen-2: "Not Available"; Align-GVGD: "Class C0". The valine amino acid residue is found in multiple mammalian species, which suggests that this missense change does not adversely affect protein function. In summary, the available evidence is currently insufficient to determine the role of this variant in disease. Therefore, it has been classified as a Variant of Uncertain Significance.